The following is an entry in ClinVar:

ClinVar aggregate classification (germline): Uncertain significance (1 of 4 stars; one submission).

Submission:

GeneDx
Classification: Uncertain significance. Last evaluated: 2026-02-27. Review status: criteria provided, single submitter. Criteria: GeneDx Variant Classification Process June 2021. Collection method: clinical testing. Allele origin: germline.
Comment: Not observed at significant frequency in large population cohorts (gnomAD); In silico analysis supports that this missense variant has a deleterious effect on protein structure/function; Has not been previously published as pathogenic or benign to our knowledge

NM_013436.5(NCKAP1):c.592C>T (p.Pro198Ser)

Gene: NCKAP1 (NCK associated protein 1; minus strand). Cytogenetic location: 2q32.1.
Variant type: single nucleotide variant.
Coding change: c.592C>T on transcript NM_013436.5 (MANE Select); coding-DNA position 592, C replaced by T.
Protein change: p.Pro198Ser; replaces proline 198 with serine.
Molecular consequence: missense variant.
Genome position (GRCh38, 1-based): chr2:183,001,964, G>A on the plus strand (C>T on the coding strand, the complement: NCKAP1 is on the minus strand). VCF-style: chr2-183001964-G-A. GRCh37 (hg19) VCF-style: chr2-183866692-G-A.
Other names: c.586C>T, p.Pro196Ser (NM_001437266.1); c.604C>T, p.Pro202Ser (NM_001437267.1); c.610C>T, p.Pro204Ser (NM_205842.3); short protein forms P198S, P196S, P202S, P204S.
Identifiers: ClinVar variation 5008200 (VCV005008200.1).